The following is an entry in ClinVar:

NM_033380.3(COL4A5):c.4643C>T (p.Pro1548Leu)

Gene: COL4A5 (collagen type IV alpha 5 chain; plus strand). Cytogenetic location: Xq22.3.
Variant type: single nucleotide variant.
Coding change: c.4643C>T on transcript NM_033380.3 (MANE Select); coding-DNA position 4643, C replaced by T.
Protein change: p.Pro1548Leu; replaces proline 1548 with leucine.
Molecular consequence: missense variant.
Genome position (GRCh38, 1-based): chrX:108,692,862, C>T. VCF-style: chrX-108692862-C-T. GRCh37 (hg19) VCF-style: chrX-107936092-C-T.
Other names: c.4625C>T (NM_000495.3); c.4625C>T, p.Pro1542Leu (NM_000495.5); short protein forms P1542L, P1548L.
Identifiers: ClinVar variation 707595 (VCV000707595.12), dbSNP rs771101410, ClinGen allele CA10489393.

ClinVar aggregate classification (germline): Conflicting classifications of pathogenicity. Review status: criteria provided, conflicting classifications (1 of 4 stars). 3 submissions from 3 submitters: Uncertain significance (1); Benign (1). 1 of the submissions does not count toward it. Last evaluated 2025-11-27.

Conditions:
COL4A5-related disorder. Also called: COL4A5-related condition.
Inborn genetic diseases. Identifiers: MedGen C0950123, MeSH D030342.

Allele frequency attached by ClinVar (database versions not stated): ExAC 0.00021; gnomAD 0.00004; gnomAD exomes 0.00005 and 0.00028; TOPMed 0.00010.
gnomAD v4.1: 56 of 1,208,719 alleles (0.0046%); highest among the groups gnomAD compares: Admixed American, 0.12%; 1 homozygote.

Submissions (3):

Labcorp Genetics (formerly Invitae), Labcorp
Classification: Benign. Last evaluated: 2025-11-27. Review status: criteria provided, single submitter. Criteria: Invitae Variant Classification Sherloc (09022015). Collection method: clinical testing. Allele origin: germline.

Ambry Genetics
Classification: Uncertain significance for Inborn genetic diseases. Last evaluated: 2022-07-19. Review status: criteria provided, single submitter. Criteria: Ambry Variant Classification Scheme 2023. Collection method: clinical testing. Allele origin: germline.

PreventionGenetics, part of Exact Sciences
Classification: Likely benign for COL4A5-related condition. Last evaluated: 2022-05-26. Review status: no assertion criteria provided. Collection method: clinical testing. Allele origin: germline. Not counted in ClinVar's aggregate classification.
Comment: This variant is classified as likely benign based on ACMG/AMP sequence variant interpretation guidelines (Richards et al. 2015 PMID: 25741868, with internal and published modifications).